The following is an entry in ClinVar:

ClinVar aggregate classification (germline): Likely pathogenic (1 of 4 stars; one submission).

Conditions:
Nemaline myopathy 2 (NEM2). Also called: Nemaline myopathy 2, autosomal recessive. Identifiers: MedGen C1850569, MONDO:0009725, OMIM 256030.

Submission:

Labcorp Genetics (formerly Invitae), Labcorp
Classification: Likely pathogenic for Nemaline myopathy 2. Last evaluated: 2020-11-19. Review status: criteria provided, single submitter. Criteria: Invitae Variant Classification Sherloc (09022015). Collection method: clinical testing. Allele origin: germline.
Comment: This variant is not present in population databases (ExAC no frequency). This sequence change affects a donor splice site in intron 164 of the NEB gene. It is expected to disrupt RNA splicing. Variants that disrupt the donor or acceptor splice site typically lead to a loss of protein function (PMID: 16199547), and loss-of-function variants in NEB are known to be pathogenic (PMID: 25205138). This variant has not been reported in the literature in individuals with NEB-related conditions. In summary, the currently available evidence indicates that the variant is pathogenic, but additional data are needed to prove that conclusively. Therefore, this variant has been classified as Likely Pathogenic. Algorithms developed to predict the effect of sequence changes on RNA splicing suggest that this variant may disrupt the consensus splice site, but this prediction has not been confirmed by published transcriptional studies.

Literature cited by the submitters: PubMed 16199547; PubMed 25205138.

NM_001164508.2(NEB):c.23556+1G>T

Genes: NEB (nebulin; minus strand), RIF1 (replication timing regulatory factor 1; plus strand). Cytogenetic location: 2q23.3.
Variant type: single nucleotide variant.
Coding change: c.23556+1G>T on transcript NM_001164508.2 (MANE Select); the canonical splice donor site of the intron after coding-DNA position 23556, G replaced by T.
Molecular consequence: splice donor variant.
Genome position (GRCh38, 1-based): chr2:151,506,908, C>A on the plus strand (G>T on the coding strand, the complement: NEB is on the minus strand). VCF-style: chr2-151506908-C-A. GRCh37 (hg19) VCF-style: chr2-152363422-C-A.
Other names: c.18453+1G>T (NM_004543.5); c.23556+1G>T (NM_001164507.2); c.23661+1G>T (NM_001271208.2).
Identifiers: ClinVar variation 1067004 (VCV001067004.9), dbSNP rs2153195911, ClinGen allele CA348784406.
Genomic context (GRCh38, chr2:151,506,908, plus strand): 5'-TTTAAAGAGGAGAGTGAAATGACTAGGTTAGCATTAAATGCAAAATAAATAGTAAATATA[C>A]CGAGCTGAAATTCTTCTGATTTTCTTTTACACGCAGTATTTCTGGCGTGTCTTGAACAAC-3'